The following is an entry in ClinVar:

NM_000257.4(MYH7):c.5791-12T>G

Gene: MYH7 (myosin heavy chain 7; minus strand). Cytogenetic location: 14q11.2.
Variant type: single nucleotide variant.
Coding change: c.5791-12T>G on transcript NM_000257.4 (MANE Select); 12 bases into the intron before coding-DNA position 5791, T replaced by G.
Molecular consequence: intron variant.
Genome position (GRCh38, 1-based): chr14:23,412,883, A>C on the plus strand (T>G on the coding strand, the complement: MYH7 is on the minus strand). VCF-style: chr14-23412883-A-C. GRCh37 (hg19) VCF-style: chr14-23882092-A-C.
Other names: c.5791-12T>G (NM_001407004.1).
Identifiers: ClinVar variation 3616883 (VCV003616883.2).
Genomic context (GRCh38, chr14:23,412,883, plus strand): 5'-CCAGGGCTGAGCAGATCAAGATGTGGCAAAGCTACTCCTCATTCAAGCCCTTTTGAAAGG[A>C]AACAAAGTCCAATCAGTCCTTGGAGAGATGGTATTGGGCAGGGACAGGGCATGGGAACAA-3'

ClinVar aggregate classification (germline): Uncertain significance (1 of 4 stars; one submission).

Conditions:
Hypertrophic cardiomyopathy. Also called: HYPERTROPHIC MYOCARDIOPATHY. Identifiers: Orphanet 217569, MedGen C0007194, MeSH D002312, MONDO:0005045, HP:0001639.

Submission:

Labcorp Genetics (formerly Invitae), Labcorp
Classification: Uncertain significance for Hypertrophic cardiomyopathy. Last evaluated: 2024-05-31. Review status: criteria provided, single submitter. Criteria: Invitae Variant Classification Sherloc (09022015). Collection method: clinical testing. Allele origin: germline.
Comment: This sequence change falls in intron 39 of the MYH7 gene. It does not directly change the encoded amino acid sequence of the MYH7 protein. This variant is not present in population databases (gnomAD no frequency). This variant has not been reported in the literature in individuals affected with MYH7-related conditions. Algorithms developed to predict the effect of sequence changes on RNA splicing suggest that this variant may disrupt the consensus splice site. In summary, the available evidence is currently insufficient to determine the role of this variant in disease. Therefore, it has been classified as a Variant of Uncertain Significance.